The following is an entry in ClinVar:

ClinVar aggregate classification (germline): Uncertain significance (1 of 4 stars; one submission).

Conditions:
Hereditary cancer-predisposing syndrome. Also called: Neoplastic Syndromes, Hereditary; Tumor predisposition; Hereditary Cancer Syndrome; Hereditary neoplastic syndrome. Identifiers: Orphanet 140162, MedGen C0027672, MeSH D009386, MONDO:0015356.

gnomAD v4.1: 1 of 1,556,698 alleles (0.000064%); highest among the groups gnomAD compares: African/African-American, 0.0014%; no homozygotes.

Submission:

Ambry Genetics
Classification: Uncertain significance for Hereditary cancer-predisposing syndrome. Last evaluated: 2024-06-30. Review status: criteria provided, single submitter. Criteria: Ambry Variant Classification Scheme 2023. Collection method: clinical testing. Allele origin: germline.
Comment: The p.Q59H variant (also known as c.177G>T), located in coding exon 1 of the POLD1 gene, results from a G to T substitution at nucleotide position 177. The glutamine at codon 59 is replaced by histidine, an amino acid with highly similar properties. This amino acid position is conserved. In addition, this alteration is predicted to be tolerated by in silico analysis. Based on the available evidence, the clinical significance of this variant remains unclear.

NM_002691.4(POLD1):c.177G>T (p.Gln59His)

Gene: POLD1 (DNA polymerase delta 1, catalytic subunit; plus strand). Cytogenetic location: 19q13.33.
Variant type: single nucleotide variant.
Coding change: c.177G>T on transcript NM_002691.4 (MANE Select); coding-DNA position 177, G replaced by T.
Protein change: p.Gln59His; replaces glutamine 59 with histidine.
Molecular consequence: missense variant. On other transcripts: non-coding transcript variant (1).
Genome position (GRCh38, 1-based): chr19:50,399,028, G>T. VCF-style: chr19-50399028-G-T. GRCh37 (hg19) VCF-style: chr19-50902285-G-T.
Other names: c.177G>T, p.Gln59His (NM_001256849.1, NM_001308632.1); short protein forms Q59H.
Identifiers: ClinVar variation 3421941 (VCV003421941.1).